The following is an entry in ClinVar:

ClinVar aggregate classification (germline): Conflicting classifications of pathogenicity. Review status: criteria provided, conflicting classifications (1 of 4 stars). 3 submissions from 3 submitters: Likely pathogenic (2); Uncertain significance (1). Last evaluated 2026-05-18.

Conditions:
Alport syndrome. Also called: Hemorrhagic familial nephritis; Hemorrhagic hereditary nephritis; Congenital hereditary hematuria. Identifiers: Orphanet 63, MedGen C1567741, MONDO:0018965.
Inborn genetic diseases. Identifiers: MedGen C0950123, MeSH D030342.
Autosomal dominant Alport syndrome (ATS3A). Also called: Alport syndrome dominant type; Renal failure and sensorineural hearing loss; ALPORT SYNDROME 3A, AUTOSOMAL DOMINANT. Identifiers: Orphanet 63, Orphanet 88918, MedGen C5882663, MONDO:0007086, OMIM 104200.
Alport syndrome 3b, autosomal recessive. Identifiers: MedGen C5882699, MONDO:0957811, OMIM 620536.
Hematuria, benign familial, 2 (BFH2). Identifiers: MedGen C5830421, MONDO:0958186, OMIM 620320.

gnomAD v4.1: 1 of 1,611,166 alleles (0.000062%); highest among the groups gnomAD compares: African/African-American, 0.0013%; no homozygotes.

Submissions (3):

Ambry Genetics
Classification: Uncertain significance for Inborn genetic diseases. Last evaluated: 2026-05-18. Review status: criteria provided, single submitter. Criteria: Ambry Variant Classification Scheme 2023. Collection method: clinical testing. Allele origin: germline.
Comment: The c.172G>C (p.G58R) alteration is located in exon 3 (coding exon 3) of the COL4A3 gene. This alteration results from a G to C substitution at nucleotide position 172, causing the glycine (G) at amino acid position 58 to be replaced by an arginine (R). This variant was not reported in population-based cohorts in the Genome Aggregation Database (gnomAD). Other variant(s) at the same codon,c.172G>A (p.G58S) have been identified in individual(s) with features consistent with COL4A3-related Alport syndrome (Morini&egrave;re, 2014). This amino acid position is highly conserved in available vertebrate species. This alteration is predicted to be deleterious by in silico analysis. Based on insufficient or conflicting evidence, the clinical significance of this alteration remains unclear.

Natera, Inc.
Classification: Likely pathogenic for Alport syndrome. Last evaluated: 2025-08-22. Review status: criteria provided, single submitter. Criteria: Natera Variant Classification Schema (03/2026). Collection method: clinical testing. Allele origin: germline.
Comment: The c.172G>C variant in COL4A3 is a missense variant predicted to cause substitution of glycine to arginine at amino acid 58. This variant is rare in the general population with a frequency below the threshold expected for the associated phenotype(s). This variant is located in a functionally critical region of the protein. Computational prediction algorithms indicate this variant is likely to affect gene or protein function. Given the available evidence, this variant is classified as Likely Pathogenic.

Fulgent Genetics
Classification: Likely pathogenic for Autosomal dominant Alport syndrome; Hematuria, benign familial, 2; Alport syndrome 3b, autosomal recessive. Last evaluated: 2024-03-21. Review status: criteria provided, single submitter. Criteria: ACMG Guidelines, 2015. Collection method: clinical testing. Allele origin: germline.

Literature cited by the submitters: PubMed 24854265 (cited by Ambry Genetics).

NM_000091.5(COL4A3):c.172G>C (p.Gly58Arg)

Genes: COL4A3 (collagen type IV alpha 3 chain; plus strand), MFF-DT (MFF divergent transcript; minus strand). Cytogenetic location: 2q36.3.
Variant type: single nucleotide variant.
Coding change: c.172G>C on transcript NM_000091.5 (MANE Select); coding-DNA position 172, G replaced by C.
Protein change: p.Gly58Arg; replaces glycine 58 with arginine.
Molecular consequence: missense variant.
Genome position (GRCh38, 1-based): chr2:227,240,170, G>C. VCF-style: chr2-227240170-G-C. GRCh37 (hg19) VCF-style: chr2-228104886-G-C.
Other names: short protein forms G58R.
Identifiers: ClinVar variation 3585962 (VCV003585962.3).